The following is an entry in ClinVar:

ClinVar aggregate classification (germline): Pathogenic/Likely pathogenic. Review status: criteria provided, multiple submitters, no conflicts (2 of 4 stars). 3 submissions from 3 submitters: Pathogenic (1); Likely pathogenic (2). Last evaluated 2024-09-13.

Conditions:
Miyoshi muscular dystrophy 1 (MMD1). Identifiers: Orphanet 45448, MedGen C4551973, MONDO:0024545, OMIM 254130.
Autosomal recessive limb-girdle muscular dystrophy type 2B (LGMDR2). Also called: MUSCULAR DYSTROPHY, LIMB-GIRDLE, AUTOSOMAL RECESSIVE 2; MUSCULAR DYSTROPHY, LIMB-GIRDLE, TYPE 3; Limb-Girdle Muscular Dystrophy Type 2B (LGMD2B); Limb-girdle muscular dystrophy, type 2B. Identifiers: Orphanet 268, MedGen C1850889, MONDO:0009676, OMIM 253601.
Neuromuscular disease caused by qualitative or quantitative defects of dysferlin. Also called: Qualitative or quantitative defects of dysferlin; Dysferlinopathy. Identifiers: Orphanet 207073, MedGen C2931687, MONDO:0016145.

Submissions (3):

Natera, Inc.
Classification: Likely pathogenic for Limb-girdle muscular dystrophy type 2B. Last evaluated: 2024-09-13. Review status: criteria provided, single submitter. Criteria: Natera Variant Classification Schema (03/2026). Collection method: clinical testing. Allele origin: germline.
Comment: The c.3788dupG variant in DYSF is a frameshift variant predicted to shift the reading frame beginning at codon 1264 and leads to a stop codon 12 codons downstream. This variant is expected to result in nonsense mediated decay, truncation, or a dysfunctional protein product. This variant is rare in the general population with a frequency below the threshold expected for the associated phenotype(s). Given the available evidence, this variant is classified as Likely Pathogenic.

Labcorp Genetics (formerly Invitae), Labcorp
Classification: Pathogenic for Neuromuscular disease caused by qualitative or quantitative defects of dysferlin. Last evaluated: 2024-02-29. Review status: criteria provided, single submitter. Criteria: Invitae Variant Classification Sherloc (09022015). Collection method: clinical testing. Allele origin: germline.
Comment: This sequence change creates a premature translational stop signal (p.Ser1264Glnfs*12) in the DYSF gene. It is expected to result in an absent or disrupted protein product. Loss-of-function variants in DYSF are known to be pathogenic (PMID: 17698709, 20301480). This variant is not present in population databases (gnomAD no frequency). This variant has not been reported in the literature in individuals affected with DYSF-related conditions. For these reasons, this variant has been classified as Pathogenic.

Baylor Genetics
Classification: Likely pathogenic for Miyoshi muscular dystrophy 1. Last evaluated: 2023-03-30. Review status: criteria provided, single submitter. Criteria: ACMG Guidelines, 2015. Collection method: clinical testing. Allele origin: unknown.

Literature cited by the submitters: PubMed 17698709 (cited by Labcorp Genetics (formerly Invitae), Labcorp); PubMed 20301480 (cited by Labcorp Genetics (formerly Invitae), Labcorp).

NM_001130987.2(DYSF):c.3842dup (p.Ser1282fs)

Gene: DYSF (dysferlin; plus strand). Cytogenetic location: 2p13.2.
Variant type: Duplication.
Coding change: c.3842dup on transcript NM_001130987.2 (MANE Select); coding-DNA position 3842, one base duplicated (G; older notation c.3842dupG).
Protein change: p.Ser1282fs; shifts the reading frame from serine 1282.
Molecular consequence: frameshift variant.
Genome position (GRCh38, 1-based): chr2:71,600,787, G duplicated; the last of 4 consecutive G bases (chr2:71,600,784-71,600,787); duplicating any one gives the same sequence. VCF-style (leftmost placement, unchanged base first): chr2-71600783-A-AG. GRCh37 (hg19) VCF-style: chr2-71827913-A-AG.
Other names: c.3788dup, p.Ser1264fs (NM_001130978.2, NM_003494.4); c.3881dup, p.Ser1295fs (NM_001130979.2); c.3839dup, p.Ser1281fs (NM_001130980.2, NM_001130981.2); c.3746dup, p.Ser1250fs (NM_001130976.2, NM_001130977.2); c.3791dup, p.Ser1265fs (NM_001130455.2, NM_001130983.2); c.3749dup, p.Ser1251fs (NM_001130984.2, NM_001130986.2); c.3842dup, p.Ser1282fs (NM_001130985.2); c.3884dup, p.Ser1296fs (NM_001130982.2); and 1 more; short protein forms S1250fs, S1251fs, S1264fs, S1265fs, S1281fs, S1282fs, S1295fs, S1296fs.
Identifiers: ClinVar variation 2674983 (VCV002674983.5), dbSNP rs2093531358, ClinGen allele CA1260119346.